The following is an entry in ClinVar:

ClinVar aggregate classification (germline): Uncertain significance. Review status: criteria provided, multiple submitters, no conflicts (2 of 4 stars). 2 submissions from 2 submitters: Uncertain significance (2). Last evaluated 2025-08-14.

Conditions:
Inborn genetic diseases. Identifiers: MedGen C0950123, MeSH D030342.
Joubert syndrome 18 (JBTS18). Identifiers: Orphanet 2754, MedGen C3553758, MONDO:0013896, OMIM 614815.
Orofacial-digital syndrome IV (OFD4). Also called: BARAITSER-BURN SYNDROME; OFD SYNDROME WITH TIBIAL DEFECTS; OFD SYNDROME, BARAITSER-BURN TYPE; OFDS IV; ORAL-FACIAL-DIGITAL SYNDROME, TYPE IV; Orofaciodigital syndrome IV. Identifiers: Orphanet 2753, MedGen C0406727, MONDO:0009794, OMIM 258860.

Allele frequency attached by ClinVar (database versions not stated): gnomAD 0.00002; TOPMed 0.00002; ExAC 0.00007; gnomAD exomes 0.00007.
gnomAD v4.1: 48 of 1,614,010 alleles (0.003%); highest among the groups gnomAD compares: East Asian, 0.089%; no homozygotes.

Submissions (2):

Ambry Genetics
Classification: Uncertain significance for Inborn genetic diseases. Last evaluated: 2025-08-14. Review status: criteria provided, single submitter. Criteria: Ambry Variant Classification Scheme 2023. Collection method: clinical testing. Allele origin: germline.

Labcorp Genetics (formerly Invitae), Labcorp
Classification: Uncertain significance for Joubert syndrome 18; Orofacial-digital syndrome IV. Last evaluated: 2023-09-07. Review status: criteria provided, single submitter. Criteria: Invitae Variant Classification Sherloc (09022015). Collection method: clinical testing. Allele origin: germline.
Comment: In summary, the available evidence is currently insufficient to determine the role of this variant in disease. Therefore, it has been classified as a Variant of Uncertain Significance. Advanced modeling of protein sequence and biophysical properties (such as structural, functional, and spatial information, amino acid conservation, physicochemical variation, residue mobility, and thermodynamic stability) performed at Invitae indicates that this missense variant is expected to disrupt TCTN3 protein function. This variant has not been reported in the literature in individuals affected with TCTN3-related conditions. This variant is present in population databases (rs749117268, gnomAD 0.08%). This sequence change replaces cysteine, which is neutral and slightly polar, with arginine, which is basic and polar, at codon 526 of the TCTN3 protein (p.Cys526Arg).

NM_015631.6(TCTN3):c.1576T>C (p.Cys526Arg)

Gene: TCTN3 (tectonic family member 3; minus strand). Cytogenetic location: 10q24.1.
Variant type: single nucleotide variant.
Coding change: c.1576T>C on transcript NM_015631.6 (MANE Select); coding-DNA position 1576, T replaced by C.
Protein change: p.Cys526Arg; replaces cysteine 526 with arginine.
Molecular consequence: missense variant.
Genome position (GRCh38, 1-based): chr10:95,680,486, A>G on the plus strand (T>C on the coding strand, the complement: TCTN3 is on the minus strand). VCF-style: chr10-95680486-A-G. GRCh37 (hg19) VCF-style: chr10-97440243-A-G.
Other names: c.1630T>C, p.Cys544Arg (NM_001013840.1); c.1132T>C, p.Cys378Arg (NM_001143973.2); c.1480T>C, p.Cys494Arg (NM_001410982.1); c.1576T>C (NM_015631.5); short protein forms C378R, C526R, C494R, C544R.
Identifiers: ClinVar variation 2075899 (VCV002075899.5), dbSNP rs749117268, ClinGen allele CA5620788.